The following is an entry in ClinVar:

ClinVar aggregate classification (germline): Likely pathogenic (1 of 4 stars; one submission).

Conditions:
Glycine encephalopathy. Also called: Non-ketotic hyperglycinemia; Nonketotic hyperglycinemia. Identifiers: Orphanet 407, MedGen C0751748, MONDO:0011612, HP:0008288.

Submission:

Myriad Genetics, Inc.
Classification: Likely pathogenic for Glycine encephalopathy 1. Last evaluated: 2022-03-30. Review status: criteria provided, single submitter. Criteria: Myriad Women's Health Autosomal Recessive and X-Linked Classification Criteria (2021). Collection method: clinical testing. Allele origin: unknown.
Comment: NM_000170.2(GLDC):c.315_316delGA(K106Nfs*7) is expected to be pathogenic in the context of glycine encephalopathy, GLDC-related. This variant is predicted to lead to an abnormal or absent protein product due to the creation of a premature termination codon in GLDC, a gene where loss-of-function variants are known to be pathogenic. Please note: this variant was assessed in the context of healthy population screening.

NM_000170.3(GLDC):c.315_316del (p.Lys106fs)

Gene: GLDC (glycine decarboxylase; minus strand). Cytogenetic location: 9p24.1.
Variant type: Deletion.
Coding change: c.315_316del on transcript NM_000170.3 (MANE Select); coding-DNA positions 315 to 316, 2 bases deleted (GA; older notation c.315_316delGA).
Protein change: p.Lys106fs; shifts the reading frame from lysine 106.
Molecular consequence: frameshift variant.
Genome position (GRCh38, 1-based): chr9:6,644,632-6,644,633, TC deleted on the plus strand (GA on the coding strand, the reverse complement: GLDC is on the minus strand). VCF-style (leftmost placement, unchanged base first): chr9-6644631-TTC-T. GRCh37 (hg19) VCF-style: chr9-6644631-TTC-T.
Other names: short protein forms K106fs.
Identifiers: ClinVar variation 1725621 (VCV001725621.2), dbSNP rs2489160614, ClinGen allele CA2580080228.